The following is an entry in ClinVar:

ClinVar aggregate classification (germline): Likely benign. Review status: criteria provided, multiple submitters, no conflicts (2 of 4 stars). 2 submissions from 2 submitters: Likely benign (2). Last evaluated 2024-01-08.

Conditions:
Hereditary hyperekplexia. Identifiers: Orphanet 3197, MedGen C4084968, MONDO:0021022.
Hyperekplexia 1 (STHE). Also called: HYPEREKPLEXIA 1, AUTOSOMAL DOMINANT; HYPEREKPLEXIA 1, AUTOSOMAL RECESSIVE; EXAGGERATED STARTLE REACTION; KOK DISEASE; STARTLE DISEASE, FAMILIAL; STIFF-BABY SYNDROME. Identifiers: Orphanet 3197, MedGen C4551954, MONDO:0007868, OMIM 149400.

Allele frequency attached by ClinVar (database versions not stated): gnomAD 0.00001; gnomAD exomes 0.00001 and 0.00002; TOPMed 0.00001; ExAC 0.00002; ESP Exome Variant Server 0.00008.
gnomAD v4.1: 21 of 1,607,024 alleles (0.0013%); highest among the groups gnomAD compares: Non-Finnish European, 0.0017%; no homozygotes.

Submissions (2):

Labcorp Genetics (formerly Invitae), Labcorp
Classification: Likely benign for Hereditary hyperekplexia. Last evaluated: 2024-01-08. Review status: criteria provided, single submitter. Criteria: Invitae Variant Classification Sherloc (09022015). Collection method: clinical testing. Allele origin: germline.

Illumina Laboratory Services, Illumina
Classification: Likely benign for Hyperekplexia 1. Last evaluated: 2018-01-13. Review status: criteria provided, single submitter. Criteria: ICSL Variant Classification Criteria 13 December 2019. Collection method: clinical testing. Allele origin: germline.
Comment: This variant was observed in the ICSL laboratory as part of a predisposition screen in an ostensibly healthy population. It had not been previously curated by ICSL or reported in the Human Gene Mutation Database (HGMD: prior to June 1st, 2018), and was therefore a candidate for classification through an automated scoring system. Utilizing variant allele frequency, disease prevalence and penetrance estimates, and inheritance mode, an automated score was calculated to assess if this variant is too frequent to cause the disease. Based on the score and internal cut-off values, a variant classified as likely benign is not then subjected to further curation. The score for this variant resulted in a classification of likely benign for this disease.

NM_000171.4(GLRA1):c.185-9G>A

Gene: GLRA1 (glycine receptor alpha 1; minus strand). Cytogenetic location: 5q33.1.
Variant type: single nucleotide variant.
Coding change: c.185-9G>A on transcript NM_000171.4 (MANE Select); 9 bases into the intron before coding-DNA position 185, G replaced by A.
Molecular consequence: intron variant.
Genome position (GRCh38, 1-based): chr5:151,886,797, C>T on the plus strand (G>A on the coding strand, the complement: GLRA1 is on the minus strand). VCF-style: chr5-151886797-C-T. GRCh37 (hg19) VCF-style: chr5-151266358-C-T.
Other names: c.-65-9G>A (NM_001292000.2); c.185-9G>A (NM_001146040.2).
Identifiers: ClinVar variation 907753 (VCV000907753.11), dbSNP rs371382193, ClinGen allele CA3523749.